The following is an entry in ClinVar:

NM_000548.5(TSC2):c.5259G>C (p.Arg1753=)

Gene: TSC2 (TSC complex subunit 2; plus strand). Cytogenetic location: 16p13.3.
Variant type: single nucleotide variant.
Coding change: c.5259G>C on transcript NM_000548.5 (MANE Select); coding-DNA position 5259, G replaced by C.
Protein change: p.Arg1753=; no amino-acid change (arginine 1753 retained).
Molecular consequence: synonymous variant.
Genome position (GRCh38, 1-based): chr16:2,088,325, G>C. VCF-style: chr16-2088325-G-C. GRCh37 (hg19) VCF-style: chr16-2138326-G-C.
Other names: c.5058G>C, p.Arg1686= (NM_001077183.3); c.5190G>C, p.Arg1730= (NM_001114382.3); c.4950G>C, p.Arg1650= (NM_001318827.2); c.4914G>C, p.Arg1638= (NM_001318829.2); c.4527G>C, p.Arg1509= (NM_001318831.2); c.5091G>C, p.Arg1697= (NM_001318832.2); c.5061G>C, p.Arg1687= (NM_001363528.2); c.5127G>C, p.Arg1709= (NM_001370404.1); and 2 more.
Identifiers: ClinVar variation 844102 (VCV000844102.8), dbSNP rs1060500945, ClinGen allele CA493043870.
Genomic context (GRCh38, chr16:2,088,325, plus strand): 5'-CGATATCTACCCCTCCAAGTGGATTGCCCGGCTCCGCCACATCAAGCGGCTCCGCCAGCG[G>C]GTAGGGAATATGGGGCTCCCTCAGCGGGGTGTGCTGGCTGCCCAAGCTGTGGGGCGGGTG-3'
Protein context (NP_000539.2, residues 1743-1763): RLRHIKRLRQ[Arg1753=]ICEEAAYSNP

ClinVar aggregate classification (germline): Uncertain significance. Review status: criteria provided, multiple submitters, no conflicts (2 of 4 stars). 2 submissions from 2 submitters: Uncertain significance (2). Last evaluated 2025-09-05.

Conditions:
Hereditary cancer-predisposing syndrome. Also called: Neoplastic Syndromes, Hereditary; Hereditary neoplastic syndrome; Tumor predisposition; Hereditary Cancer Syndrome. Identifiers: Orphanet 140162, MedGen C0027672, MeSH D009386, MONDO:0015356.
Tuberous sclerosis 2 (TSC2). Identifiers: Orphanet 805, MedGen C1860707, MONDO:0013199, OMIM 613254.

Allele frequency attached by ClinVar (database versions not stated): TOPMed below 0.00001.

Submissions (2):

Ambry Genetics
Classification: Uncertain significance for Hereditary cancer-predisposing syndrome. Last evaluated: 2025-09-05. Review status: criteria provided, single submitter. Criteria: Ambry Variant Classification Scheme 2023. Collection method: clinical testing. Allele origin: germline.
Comment: The c.5259G>C variant (also known as p.R1753R), located in coding exon 40 of the TSC2 gene, results from a G to C substitution at nucleotide position 5259. This nucleotide substitution does not change the amino acid at codon 1753. However, this change occurs in the last base pair of coding exon 40, which makes it likely to have some effect on normal mRNA splicing. This nucleotide position is highly conserved in available vertebrate species. In silico splice site analysis predicts that this alteration may weaken the native splice donor site and may result in the creation or strengthening of a novel splice donor site. RNA studies have demonstrated that this alteration results in an incomplete splice defect; the clinical impact of this abnormal splicing is unknown at this time (Ambry internal data). Based on the available evidence, the clinical significance of this variant remains unclear.

Labcorp Genetics (formerly Invitae), Labcorp
Classification: Uncertain significance for Tuberous sclerosis 2. Last evaluated: 2024-02-14. Review status: criteria provided, single submitter. Criteria: Invitae Variant Classification Sherloc (09022015). Collection method: clinical testing. Allele origin: germline.
Comment: This sequence change affects codon 1753 of the TSC2 mRNA. It is a 'silent' change, meaning that it does not change the encoded amino acid sequence of the TSC2 protein. This variant also falls at the last nucleotide of exon 41, which is part of the consensus splice site for this exon. This variant is not present in population databases (gnomAD no frequency). This variant has not been reported in the literature in individuals affected with TSC2-related conditions. ClinVar contains an entry for this variant (Variation ID: 844102). Variants that disrupt the consensus splice site are a relatively common cause of aberrant splicing (PMID: 17576681, 9536098). Studies have shown that this variant is associated with altered splicing resulting in multiple RNA products (Invitae). In summary, the available evidence is currently insufficient to determine the role of this variant in disease. Therefore, it has been classified as a Variant of Uncertain Significance.

Literature cited by the submitters: PubMed 17576681 (cited by Labcorp Genetics (formerly Invitae), Labcorp); PubMed 9536098 (cited by Labcorp Genetics (formerly Invitae), Labcorp).